The following is an entry in ClinVar:

NM_001032283.3(TMPO):c.565+2361G>T

Gene: TMPO (thymopoietin; plus strand). Cytogenetic location: 12q23.1.
Variant type: single nucleotide variant.
Coding change: c.565+2361G>T on transcript NM_001032283.3 (MANE Select); 2361 bases into the intron after coding-DNA position 565, G replaced by T.
Molecular consequence: intron variant. On other transcripts: missense variant (1).
Genome position (GRCh38, 1-based): chr12:98,534,199, G>T. VCF-style: chr12-98534199-G-T. GRCh37 (hg19) VCF-style: chr12-98927977-G-T.
Other names: c.1942G>T, p.Val648Leu (NM_003276.2); c.565+2361G>T (NM_001307975.2, NM_001032284.3); short protein forms V648L.
Identifiers: ClinVar variation 380110 (VCV000380110.13), dbSNP rs746160070, ClinGen allele CA6732517.

ClinVar aggregate classification (germline): Conflicting classifications of pathogenicity. Review status: criteria provided, conflicting classifications (1 of 4 stars). 3 submissions from 3 submitters: Uncertain significance (2); Likely benign (1). Last evaluated 2025-08-31.

Conditions:
Loeys-Dietz syndrome 2 (LDS2). Also called: Marfan Syndrome type 2; Marfan like connective tissue disorder; MFS 2; TGFBR2-Related Loeys-Dietz Syndrome; Marfan syndrome, type 2 (formerly); AORTIC ANEURYSM, FAMILIAL THORACIC 3. Identifiers: Orphanet 284973, Orphanet 558, MedGen C2674574, MONDO:0012427, OMIM 610168.

Allele frequency attached by ClinVar (database versions not stated): TOPMed 0.00008; gnomAD exomes 0.00001 and 0.00002; ExAC 0.00002; gnomAD 0.00005 and 0.00006.
gnomAD v4.1: 17 of 1,613,860 alleles (0.0011%); highest among the groups gnomAD compares: African/African-American, 0.017%; no homozygotes.

Submissions (3):

Ambry Genetics
Classification: Likely benign. Last evaluated: 2025-08-31. Review status: criteria provided, single submitter. Criteria: Ambry Variant Classification Scheme 2023. Collection method: clinical testing. Allele origin: germline.

Labcorp Genetics (formerly Invitae), Labcorp
Classification: Uncertain significance for Loeys-Dietz syndrome 2. Last evaluated: 2024-08-07. Review status: criteria provided, single submitter. Criteria: Invitae Variant Classification Sherloc (09022015). Collection method: clinical testing. Allele origin: germline.
Comment: This sequence change replaces valine, which is neutral and non-polar, with leucine, which is neutral and non-polar, at codon 648 of the TMPO protein (p.Val648Leu). This variant is present in population databases (rs746160070, gnomAD 0.02%). This variant has not been reported in the literature in individuals affected with TMPO-related conditions. ClinVar contains an entry for this variant (Variation ID: 380110). Advanced modeling of protein sequence and biophysical properties (such as structural, functional, and spatial information, amino acid conservation, physicochemical variation, residue mobility, and thermodynamic stability) performed at Invitae indicates that this missense variant is not expected to disrupt TMPO protein function with a negative predictive value of 80%. In summary, the available evidence is currently insufficient to determine the role of this variant in disease. Therefore, it has been classified as a Variant of Uncertain Significance.

GeneDx
Classification: Uncertain significance. Last evaluated: 2018-08-31. Review status: criteria provided, single submitter. Criteria: GeneDx Variant Classification (06012015). Collection method: clinical testing. Allele origin: germline. Affected: yes.
Comment: A variant of uncertain significance has been identified in the TMPO gene. The V648L variant has not been published as pathogenic or been reported as benign to our knowledge. This variant is observed in 5/24,034 alleles from individuals of African ancestry in large population cohorts (Lek et al., 2016). The V648L variant is a conservative amino acid substitution, which is not likely to impact secondary protein structure as these residues share similar properties. Furthermore, in-silico analyses, including protein predictors and evolutionary conservation, support that this variant does not alter protein structure/function.Therefore, based on the currently available information, it is unclear whether this variant is pathogenic or benign.